The following is an entry in ClinVar:

ClinVar aggregate classification (germline): Uncertain significance (1 of 4 stars; one submission).

Allele frequency attached by ClinVar (database versions not stated): TOPMed 0.00003; gnomAD 0.00005; gnomAD exomes 0.00005; ExAC 0.00007; 1000 Genomes Project 30x 0.00016; 1000 Genomes Project 0.00020.
gnomAD v4.1: 79 of 1,614,094 alleles (0.0049%); highest among the groups gnomAD compares: Middle Eastern, 0.017%; no homozygotes.

Submission:

Labcorp Genetics (formerly Invitae), Labcorp
Classification: Uncertain significance. Last evaluated: 2025-06-29. Review status: criteria provided, single submitter. Criteria: Invitae Variant Classification Sherloc (09022015). Collection method: clinical testing. Allele origin: germline.
Comment: This sequence change replaces arginine, which is basic and polar, with glutamine, which is neutral and polar, at codon 291 of the TRAP1 protein (p.Arg291Gln). The frequency data for this variant in the population databases is considered unreliable, as metrics indicate poor data quality at this position in the gnomAD database. This variant has not been reported in the literature in individuals affected with TRAP1-related conditions. ClinVar contains an entry for this variant (Variation ID: 1982193). Invitae Evidence Modeling of protein sequence and biophysical properties (such as structural, functional, and spatial information, amino acid conservation, physicochemical variation, residue mobility, and thermodynamic stability) indicates that this missense variant is not expected to disrupt TRAP1 protein function with a negative predictive value of 80%. In summary, the available evidence is currently insufficient to determine the role of this variant in disease. Therefore, it has been classified as a Variant of Uncertain Significance.

NM_016292.3(TRAP1):c.872G>A (p.Arg291Gln)

Gene: TRAP1 (TNF receptor associated protein 1; minus strand). Cytogenetic location: 16p13.3.
Variant type: single nucleotide variant.
Coding change: c.872G>A on transcript NM_016292.3 (MANE Select); coding-DNA position 872, G replaced by A.
Protein change: p.Arg291Gln; replaces arginine 291 with glutamine.
Molecular consequence: missense variant.
Genome position (GRCh38, 1-based): chr16:3,675,340, C>T on the plus strand (G>A on the coding strand, the complement: TRAP1 is on the minus strand). VCF-style: chr16-3675340-C-T. GRCh37 (hg19) VCF-style: chr16-3725341-C-T.
Other names: c.713G>A, p.Arg238Gln (NM_001272049.2); short protein forms R238Q, R291Q.
Identifiers: ClinVar variation 1982193 (VCV001982193.4), dbSNP rs200627800, ClinGen allele CA7868444.